The following is an entry in ClinVar:

ClinVar aggregate classification (germline): Uncertain significance (1 of 4 stars; one submission).

Conditions:
SMARCC2-related disorder. Also called: SMARCC2-related condition.

Submission:

PreventionGenetics, part of Exact Sciences
Classification: Uncertain significance for SMARCC2-related condition. Last evaluated: 2023-04-11. Review status: criteria provided, single submitter. Criteria: ACMG Guidelines, 2015. Collection method: clinical testing. Allele origin: germline.
Comment: The SMARCC2 c.516C>A variant is predicted to result in the amino acid substitution p.Asn172Lys. To our knowledge, this variant has not been reported in the literature or in a large population database, indicating this variant is rare. At this time, the clinical significance of this variant is uncertain due to the absence of conclusive functional and genetic evidence.

NM_001330288.2(SMARCC2):c.516C>A (p.Asn172Lys)

Gene: SMARCC2 (SWI/SNF related BAF chromatin remodeling complex subunit C2; minus strand). Cytogenetic location: 12q13.2.
Variant type: single nucleotide variant.
Coding change: c.516C>A on transcript NM_001330288.2 (MANE Select); coding-DNA position 516, C replaced by A.
Protein change: p.Asn172Lys; replaces asparagine 172 with lysine.
Molecular consequence: missense variant.
Genome position (GRCh38, 1-based): chr12:56,184,221, G>T on the plus strand (C>A on the coding strand, the complement: SMARCC2 is on the minus strand). VCF-style: chr12-56184221-G-T. GRCh37 (hg19) VCF-style: chr12-56578005-G-T.
Other names: c.516C>A, p.Asn172Lys (NM_001130420.3, NM_003075.5, NM_139067.4); short protein forms N172K.
Identifiers: ClinVar variation 2632809 (VCV002632809.1), dbSNP rs767208089, ClinGen allele CA385355974.
Genomic context (GRCh38, chr12:56,184,221, plus strand): 5'-AACCCAGGTCTCACCTTCTTCTAGATTCCCCGGGACAGGATACACAACATGGGAGGCATT[G>T]TTCTTATCCTCAGTGACTGTTCCCTGGATGGTAAAAGGAGAAGCGGGTAAATTATGGTCC-3'
Protein context (NP_001317217.1, residues 162-182): RHQGTVTEDK[Asn172Lys]NASHVVYPVP